The following is an entry in ClinVar:

NM_000782.5(CYP24A1):c.1157+2T>A

Gene: CYP24A1 (cytochrome P450 family 24 subfamily A member 1; minus strand). Cytogenetic location: 20q13.2.
Variant type: single nucleotide variant.
Coding change: c.1157+2T>A on transcript NM_000782.5 (MANE Select); the canonical splice donor site of the intron after coding-DNA position 1157, T replaced by A.
Molecular consequence: splice donor variant.
Genome position (GRCh38, 1-based): chr20:54,158,955, A>T on the plus strand (T>A on the coding strand, the complement: CYP24A1 is on the minus strand). VCF-style: chr20-54158955-A-T. GRCh37 (hg19) VCF-style: chr20-52775494-A-T.
Other names: c.1157+2T>A (NM_001128915.2).
Identifiers: ClinVar variation 2098647 (VCV002098647.4), dbSNP rs2516352608, ClinGen allele CA409389740.

ClinVar aggregate classification (germline): Likely pathogenic (1 of 4 stars; one submission).

Submission:

Labcorp Genetics (formerly Invitae), Labcorp
Classification: Likely pathogenic. Last evaluated: 2022-09-10. Review status: criteria provided, single submitter. Criteria: Invitae Variant Classification Sherloc (09022015). Collection method: clinical testing. Allele origin: germline.
Comment: This variant is not present in population databases (gnomAD no frequency). In summary, the currently available evidence indicates that the variant is pathogenic, but additional data are needed to prove that conclusively. Therefore, this variant has been classified as Likely Pathogenic. Algorithms developed to predict the effect of sequence changes on RNA splicing suggest that this variant may disrupt the consensus splice site. This variant has not been reported in the literature in individuals affected with CYP24A1-related conditions. This sequence change affects a donor splice site in intron 8 of the CYP24A1 gene. It is expected to disrupt RNA splicing. Variants that disrupt the donor or acceptor splice site typically lead to a loss of protein function (PMID: 16199547), and loss-of-function variants in CYP24A1 are known to be pathogenic (PMID: 21675912).

Literature cited by the submitters: PubMed 16199547; PubMed 21675912.